The following is an entry in ClinVar:

ClinVar aggregate classification (germline): Benign. Review status: criteria provided, multiple submitters, no conflicts (2 of 4 stars). 14 submissions from 14 submitters: Benign (10). 4 of the submissions do not count toward it. Last evaluated 2026-02-04.

Conditions:
Hereditary cancer-predisposing syndrome. Also called: Tumor predisposition; Hereditary Cancer Syndrome; Hereditary neoplastic syndrome; Neoplastic Syndromes, Hereditary. Identifiers: Orphanet 140162, MedGen C0027672, MeSH D009386, MONDO:0015356.
Malignant tumor of breast. Also called: Malignant breast neoplasm; Cancer breast. Identifiers: MedGen C0006142, MONDO:0007254. Disease mechanism: loss of function.
Colorectal cancer, susceptibility to, 12 (CRCS12). Also called: COLORECTAL CANCER, SUSCEPTIBILITY TO, ON CHROMOSOME 12q24. Identifiers: Orphanet 220460, MedGen C3554460, MONDO:0014038, OMIM 615083.

Allele frequency attached by ClinVar (database versions not stated): ESP Exome Variant Server 0.02068; gnomAD exomes 0.00522; ExAC 0.00608; gnomAD 0.01729 and 0.01853; 1000 Genomes Project 30x 0.01811; 1000 Genomes Project 0.01837; TOPMed 0.01989.
gnomAD v4.1: 5,796 of 1,601,642 alleles (0.36%); highest among the groups gnomAD compares: African/African-American, 5.8%; 143 homozygotes.

Submissions (14):

Labcorp Genetics (formerly Invitae), Labcorp
Classification: Benign. Last evaluated: 2026-02-04. Review status: criteria provided, single submitter. Criteria: Invitae Variant Classification Sherloc (09022015). Collection method: clinical testing. Allele origin: germline.

CeGaT Center for Human Genetics Tuebingen
Classification: Benign. Last evaluated: 2025-05-01. Review status: criteria provided, single submitter. Criteria: CeGaT Center For Human Genetics Tuebingen Variant Classification Criteria Version 2. Collection method: clinical testing. Allele origin: germline. Affected: yes. Observed: 1 variant allele.
Comment: POLE: BS1, BS2

Center for Genomic Medicine, Rigshospitalet, Copenhagen University Hospital
Classification: Benign. Last evaluated: 2025-03-04. Review status: criteria provided, single submitter. Criteria: ACMG Guidelines, 2015. Collection method: clinical testing. Allele origin: germline.

ARUP Laboratories, Molecular Genetics and Genomics, ARUP Laboratories
Classification: Benign. Last evaluated: 2023-11-29. Review status: criteria provided, single submitter. Criteria: ARUP Molecular Germline Variant Investigation Process 2024. Collection method: clinical testing. Allele origin: germline.

KCCC/NGS Laboratory, Kuwait Cancer Control Center
Classification: Benign for Colorectal cancer, susceptibility to, 12. Last evaluated: 2023-07-07. Review status: criteria provided, single submitter. Criteria: ACMG Guidelines, 2015. Collection method: clinical testing. Allele origin: germline. Affected: yes.

PreventionGenetics, part of Exact Sciences
Classification: Benign. Last evaluated: 2016-11-22. Review status: criteria provided, single submitter. Criteria: ACMG Guidelines, 2015. Collection method: clinical testing. Allele origin: germline.

Women's Health and Genetics/Laboratory Corporation of America, LabCorp
Classification: Benign. Last evaluated: 2016-05-24. Review status: criteria provided, single submitter. Criteria: LabCorp Variant Classification Summary - May 2015. Collection method: clinical testing. Allele origin: germline.
Comment: Variant summary: The POLE c.2320-13A>G variant involves the alteration of a non-conserved intronic nucleotide. One in silico tool predicts a benign outcome for this variant. 4/5 splice prediction tools predict no significant impact on normal splicing. However, these predictions have yet to be confirmed by functional studies. This variant was found in 723/118988 control chromosomes (15 homozygotes) at a frequency of 0.0060762, which is approximately 428 times the estimated maximal expected allele frequency of a pathogenic POLE variant (0.0000142), suggesting this variant is likely a benign polymorphism. Taken together, this variant is classified as benign.

GeneDx
Classification: Benign. Last evaluated: 2015-11-12. Review status: criteria provided, single submitter. Criteria: GeneDx Variant Classification (06012015). Collection method: clinical testing. Allele origin: germline. Affected: yes.
Comment: This variant is considered likely benign or benign based on one or more of the following criteria: it is a conservative change, it occurs at a poorly conserved position in the protein, it is predicted to be benign by multiple in silico algorithms, and/or has population frequency not consistent with disease.

Ambry Genetics
Classification: Benign for Hereditary cancer-predisposing syndrome. Last evaluated: 2015-05-19. Review status: criteria provided, single submitter. Criteria: Ambry Variant Classification Scheme 2023. Collection method: clinical testing. Allele origin: germline.

Breakthrough Genomics
Classification: Benign. Review status: criteria provided, single submitter. Criteria: ACMG Guidelines, 2015. Collection method: not provided. Allele origin: germline. Inheritance: Autosomal recessive inheritance. Affected: yes.

Clinical Genetics, Academic Medical Center
Classification: Benign. Review status: no assertion criteria provided. Collection method: clinical testing. Allele origin: germline. Affected: yes. Study: VKGL Data-share Consensus. Not counted in ClinVar's aggregate classification.

Department of Pathology and Laboratory Medicine, Sinai Health System
Classification: Benign for Malignant tumor of breast. Review status: no assertion criteria provided. Collection method: clinical testing. Allele origin: unknown. Affected: yes. Study: The Canadian Open Genetics Repository (COGR). Not counted in ClinVar's aggregate classification.
Comment: The POLE c.2320-13A>G variant was identified in dbSNP (ID: rs75329753) â€šÃ„ÃºWith Benign alleleâ€šÃ„Ã¹, and ClinVar (classified benign by GeneDx and 2 other laboratories). The variant was identified in control databases in 1761 (45 homozygous) of 272276 chromosomes at a frequency of 0.006 increasing the likelihood this could be a low frequency benign variant (Genome Aggregation Database Feb 27, 2017). The variant was observed in the following populations: African in 1411 (43 homozygous) of 23996 chromosomes (freq: 0.06), Other in 34 of 6412 chromosomes (freq: 0.005), Latino in 144 (2 homozygous) of 34316 chromosomes (freq: 0.004), European Non-Finnish in 67 of 125992 chromosomes (freq: 0.0005), Ashkenazi Jewish in 95 of 10114 chromosomes (freq: 0.009), and South Asian in 10 of 30724 chromosomes (freq: 0.0003) while not observed in the East Asian and European Finnish populations. In summary, based on the above information this variant meets our laboratory's criteria to be classified as benign.

Genome Diagnostics Laboratory, Amsterdam University Medical Center
Classification: Benign. Review status: no assertion criteria provided. Collection method: clinical testing. Allele origin: germline. Affected: yes. Study: VKGL Data-share Consensus. Not counted in ClinVar's aggregate classification.

Joint Genome Diagnostic Labs from Nijmegen and Maastricht, Radboudumc and MUMC+
Classification: Benign. Review status: no assertion criteria provided. Collection method: clinical testing. Allele origin: germline. Affected: yes. Study: VKGL Data-share Consensus. Not counted in ClinVar's aggregate classification.

NM_006231.4(POLE):c.2320-13A>G

Gene: POLE (DNA polymerase epsilon, catalytic subunit; minus strand). Cytogenetic location: 12q24.33.
Variant type: single nucleotide variant.
Coding change: c.2320-13A>G on transcript NM_006231.4 (MANE Select); 13 bases into the intron before coding-DNA position 2320, A replaced by G.
Molecular consequence: intron variant.
Genome position (GRCh38, 1-based): chr12:132,665,463, T>C on the plus strand (A>G on the coding strand, the complement: POLE is on the minus strand). VCF-style: chr12-132665463-T-C. GRCh37 (hg19) VCF-style: chr12-133242049-T-C.
Identifiers: ClinVar variation 380230 (VCV000380230.45), dbSNP rs75329753, ClinGen allele CA6893591.
Genomic context (GRCh38, chr12:132,665,463, plus strand): 5'-AGCCGCGTCGCCCACCTCCACGGCCGCCGAGAGCTTCTTTTTCCACACCTGAGAAGCACA[T>C]GAACATGGAGCACCTCACAGATTCTTCCATTTCACATTCTACAAAGTCAATAGCCCAGGT-3'